The following is an entry in ClinVar:

NM_001163435.3(TBCK):c.1801A>T (p.Ile601Phe)

Gene: TBCK (TBC1 domain containing kinase; minus strand). Cytogenetic location: 4q24.
Variant type: single nucleotide variant.
Coding change: c.1801A>T on transcript NM_001163435.3 (MANE Select); coding-DNA position 1801, A replaced by T.
Protein change: p.Ile601Phe; replaces isoleucine 601 with phenylalanine.
Molecular consequence: missense variant.
Genome position (GRCh38, 1-based): chr4:106,212,809, T>A on the plus strand (A>T on the coding strand, the complement: TBCK is on the minus strand). VCF-style: chr4-106212809-T-A. GRCh37 (hg19) VCF-style: chr4-107133966-T-A.
Other names: c.1801A>T, p.Ile601Phe (NM_001163436.4); c.1684A>T, p.Ile562Phe (NM_001163437.3); c.1285A>T, p.Ile429Phe (NM_001290768.2); c.1612A>T, p.Ile538Phe (NM_033115.5); short protein forms I601F, I538F, I429F, I562F.
Identifiers: ClinVar variation 2097177 (VCV002097177.4), dbSNP rs2477385057, ClinGen allele CA357821736.
Genomic context (GRCh38, chr4:106,212,809, plus strand): 5'-CATCTGGAATGAAACCAATCTCATTGAGATGATTACTCAGCTCTGGATCATGAAATGCAA[T>A]CATCTGAGAGAAGACAGTCAGATACTCTGAAATTACAAAGTTTGAGACAATCATCATTTT-3'
Protein context (NP_001156907.2, residues 591-611): QEYLTVFSQM[Ile601Phe]AFHDPELSNH

ClinVar aggregate classification (germline): Uncertain significance (1 of 4 stars; one submission).

Submission:

Labcorp Genetics (formerly Invitae), Labcorp
Classification: Uncertain significance. Last evaluated: 2022-03-14. Review status: criteria provided, single submitter. Criteria: Invitae Variant Classification Sherloc (09022015). Collection method: clinical testing. Allele origin: germline.
Comment: This variant is not present in population databases (gnomAD no frequency). In summary, the available evidence is currently insufficient to determine the role of this variant in disease. Therefore, it has been classified as a Variant of Uncertain Significance. Algorithms developed to predict the effect of missense changes on protein structure and function are either unavailable or do not agree on the potential impact of this missense change (SIFT: "Deleterious"; PolyPhen-2: "Possibly Damaging"; Align-GVGD: "Class C0"). This variant has not been reported in the literature in individuals affected with TBCK-related conditions. This sequence change replaces isoleucine, which is neutral and non-polar, with phenylalanine, which is neutral and non-polar, at codon 601 of the TBCK protein (p.Ile601Phe).